The following is an entry in ClinVar:

ClinVar aggregate classification (germline): Uncertain significance. Review status: criteria provided, multiple submitters, no conflicts (2 of 4 stars). 2 submissions from 2 submitters: Uncertain significance (2). Last evaluated 2022-09-27.

Allele frequency attached by ClinVar (database versions not stated): gnomAD 0.00001; TOPMed 0.00001.
gnomAD v4.1: 3 of 1,613,790 alleles (0.00019%); highest among the groups gnomAD compares: African/African-American, 0.0027%; no homozygotes.

Submissions (2):

Labcorp Genetics (formerly Invitae), Labcorp
Classification: Uncertain significance. Last evaluated: 2022-09-27. Review status: criteria provided, single submitter. Criteria: Invitae Variant Classification Sherloc (09022015). Collection method: clinical testing. Allele origin: germline.
Comment: In summary, the available evidence is currently insufficient to determine the role of this variant in disease. Therefore, it has been classified as a Variant of Uncertain Significance. Experimental studies and prediction algorithms are not available or were not evaluated, and the functional significance of this variant is currently unknown. This sequence change replaces proline, which is neutral and non-polar, with leucine, which is neutral and non-polar, at codon 634 of the COL18A1 protein (p.Pro634Leu). This variant is not present in population databases (gnomAD no frequency). This variant has not been reported in the literature in individuals affected with COL18A1-related conditions.

Blueprint Genetics
Classification: Uncertain significance. Last evaluated: 2021-06-11. Review status: criteria provided, single submitter. Criteria: ACMG Guidelines, 2015. Collection method: clinical testing. Allele origin: germline.

NM_001379500.1(COL18A1):c.1901C>T (p.Pro634Leu)

Gene: COL18A1 (collagen type XVIII alpha 1 chain; plus strand). Cytogenetic location: 21q22.3.
Variant type: single nucleotide variant.
Coding change: c.1901C>T on transcript NM_001379500.1 (MANE Select); coding-DNA position 1901, C replaced by T.
Protein change: p.Pro634Leu; replaces proline 634 with leucine.
Molecular consequence: missense variant.
Genome position (GRCh38, 1-based): chr21:45,488,422, C>T. VCF-style: chr21-45488422-C-T. GRCh37 (hg19) VCF-style: chr21-46908336-C-T.
Other names: c.2441C>T, p.Pro814Leu (NM_030582.4); c.3146C>T, p.Pro1049Leu (NM_130444.3); short protein forms P634L, P1049L, P814L.
Identifiers: ClinVar variation 1913021 (VCV001913021.5), dbSNP rs1232464269, ClinGen allele CA410496558.